The following is an entry in ClinVar:

NM_002693.3(POLG):c.1774C>T (p.Leu592Phe)

Gene: POLG (DNA polymerase gamma, catalytic subunit; minus strand). Cytogenetic location: 15q26.1.
Variant type: single nucleotide variant.
Coding change: c.1774C>T on transcript NM_002693.3 (MANE Select); coding-DNA position 1774, C replaced by T.
Protein change: p.Leu592Phe; replaces leucine 592 with phenylalanine.
Molecular consequence: missense variant.
Genome position (GRCh38, 1-based): chr15:89,325,625, G>A on the plus strand (C>T on the coding strand, the complement: POLG is on the minus strand). VCF-style: chr15-89325625-G-A. GRCh37 (hg19) VCF-style: chr15-89868856-G-A.
Other names: c.1774C>T, p.Leu592Phe (NM_001126131.2); short protein forms L592F.
Identifiers: ClinVar variation 2082129 (VCV002082129.3), dbSNP rs2509249128, ClinGen allele CA393759391.

ClinVar aggregate classification (germline): Uncertain significance. Review status: criteria provided, multiple submitters, no conflicts (2 of 4 stars). 3 submissions from 3 submitters: Uncertain significance (3). Last evaluated 2024-12-18.

Conditions:
Progressive sclerosing poliodystrophy (MTDPS4A). Also called: Alpers-Huttenlocher Syndrome (AHS); ALPERS PROGRESSIVE INFANTILE POLIODYSTROPHY; Alpers-Huttenlocher Syndrome; NEURONAL DEGENERATION OF CHILDHOOD WITH LIVER DISEASE, PROGRESSIVE; Mitochondrial DNA Depletion Syndrome 4A; Mitochondrial DNA depletion syndrome 4A (Alpers type). Identifiers: Orphanet 726, MedGen C0205710, MONDO:0008758, OMIM 203700.

Allele frequency attached by ClinVar (database versions not stated): gnomAD exomes below 0.00001.
gnomAD v4.1: 1 of 1,613,374 alleles (0.000062%); no homozygotes.

Submissions (3):

Women's Health and Genetics/Laboratory Corporation of America, LabCorp
Classification: Uncertain significance. Last evaluated: 2024-12-18. Review status: criteria provided, single submitter. Criteria: LabCorp Variant Classification Summary - May 2015. Collection method: clinical testing. Allele origin: germline.
Comment: Variant summary: POLG c.1774C>T (p.Leu592Phe) results in a non-conservative amino acid change in the encoded protein sequence. Four of five in-silico tools predict a damaging effect of the variant on protein function. The variant was absent in 250504 control chromosomes. The available data on variant occurrences in the general population are insufficient to allow any conclusion about variant significance. c.1774C>T has been reported in the literature in at least one individual affected with clinical features of Mitochondrial DNA Depletion Syndrome - POLG Related (e.g. Kurt_2012). These data do not allow any conclusion about variant significance. To our knowledge, no experimental evidence demonstrating an impact on protein function has been reported. The following publication has been ascertained in the context of this evaluation (PMID: 24265579). ClinVar contains an entry for this variant (Variation ID: 2082129). Based on the evidence outlined above, the variant was classified as uncertain significance.

Labcorp Genetics (formerly Invitae), Labcorp
Classification: Uncertain significance for Progressive sclerosing poliodystrophy. Last evaluated: 2022-06-02. Review status: criteria provided, single submitter. Criteria: Invitae Variant Classification Sherloc (09022015). Collection method: clinical testing. Allele origin: germline.
Comment: This sequence change replaces leucine, which is neutral and non-polar, with phenylalanine, which is neutral and non-polar, at codon 592 of the POLG protein (p.Leu592Phe). This variant is not present in population databases (gnomAD no frequency). This missense change has been observed in individual(s) with autosomal recessive POLG-related conditions (PMID: 24265579). This variant is also known as p.L591F. Algorithms developed to predict the effect of missense changes on protein structure and function are either unavailable or do not agree on the potential impact of this missense change (SIFT: "Deleterious"; PolyPhen-2: "Benign"; Align-GVGD: "Class C0"). In summary, the available evidence is currently insufficient to determine the role of this variant in disease. Therefore, it has been classified as a Variant of Uncertain Significance.

Blueprint Genetics
Classification: Uncertain significance. Last evaluated: 2018-08-07. Review status: criteria provided, single submitter. Criteria: ACMG Guidelines, 2015. Collection method: clinical testing. Allele origin: germline.

Literature cited by the submitters: PubMed 24265579 (cited by Women's Health and Genetics/Laboratory Corporation of America, LabCorp and Labcorp Genetics (formerly Invitae), Labcorp).